The following is an entry in ClinVar:

ClinVar aggregate classification (germline): Likely benign. Review status: criteria provided, multiple submitters, no conflicts (2 of 4 stars). 2 submissions from 2 submitters: Likely benign (2). Last evaluated 2021-06-24.

Allele frequency attached by ClinVar (database versions not stated): gnomAD exomes 0.00106; gnomAD 0.00841 and 0.00880; TOPMed 0.00954; 1000 Genomes Project 0.01278; 1000 Genomes Project 30x 0.01296.
gnomAD v4.1: 2,835 of 1,537,606 alleles (0.18%); highest among the groups gnomAD compares: African/African-American, 2.8%; 24 homozygotes.

Submissions (5):

GeneDx
Classification: Likely benign. Last evaluated: 2021-06-24. Review status: criteria provided, single submitter. Criteria: GeneDx Variant Classification Process June 2021. Collection method: clinical testing. Allele origin: germline. Affected: yes.
Comment: See Variant Classification Assertion Criteria.

Breakthrough Genomics
Classification: Likely benign. Review status: criteria provided, single submitter. Criteria: ACMG Guidelines, 2015. Collection method: not provided. Allele origin: germline. Inheritance: Autosomal dominant inheritance. Affected: yes.

Dr. Peter K. Rogan Lab, Western University
No classification provided (evidence only). Condition: Familial cancer of breast. Review status: no classification provided. Collection method: in vitro. Allele origin: not applicable. Functional consequence: retained intron. Not counted in ClinVar's aggregate classification.

Dr. Peter K. Rogan Lab, Western University
No classification provided (evidence only). Condition: Sarcoma. Review status: no classification provided. Collection method: in vitro. Allele origin: not applicable. Functional consequence: retained intron. Not counted in ClinVar's aggregate classification.

Dr. Peter K. Rogan Lab, Western University
No classification provided (evidence only). Condition: Gastric cancer. Review status: no classification provided. Collection method: in vitro. Allele origin: not applicable. Functional consequence: retained intron. Not counted in ClinVar's aggregate classification.

NM_176812.5(CHMP4B):c.610+81G>A

Gene: CHMP4B (charged multivesicular body protein 4B; plus strand). Cytogenetic location: 20q11.22.
Variant type: single nucleotide variant.
Coding change: c.610+81G>A on transcript NM_176812.5 (MANE Select); 81 bases into the intron after coding-DNA position 610, G replaced by A.
Molecular consequence: intron variant.
Genome position (GRCh38, 1-based): chr20:33,852,284, G>A. VCF-style: chr20-33852284-G-A. GRCh37 (hg19) VCF-style: chr20-32440090-G-A.
Other names: NC_000020.10:g.32440090G>A.
Identifiers: ClinVar variation 1686775 (VCV001686775.4), dbSNP rs143720116, ClinGen allele CA313392262.